The following is an entry in ClinVar:

ClinVar aggregate classification (germline): Uncertain significance. Review status: criteria provided, multiple submitters, no conflicts (2 of 4 stars). 2 submissions from 2 submitters: Uncertain significance (2). Last evaluated 2025-02-26.

Allele frequency attached by ClinVar (database versions not stated): gnomAD 0.00011 and 0.00012; TOPMed 0.00015; 1000 Genomes Project 30x 0.00016; 1000 Genomes Project 0.00020; ESP Exome Variant Server 0.00024.

Submissions (2):

Labcorp Genetics (formerly Invitae), Labcorp
Classification: Uncertain significance. Last evaluated: 2025-02-26. Review status: criteria provided, single submitter. Criteria: Invitae Variant Classification Sherloc (09022015). Collection method: clinical testing. Allele origin: germline.
Comment: This sequence change replaces proline, which is neutral and non-polar, with leucine, which is neutral and non-polar, at codon 622 of the CACNA2D4 protein (p.Pro622Leu). This variant is present in population databases (rs201053252, gnomAD 0.08%), and has an allele count higher than expected for a pathogenic variant. This missense change has been observed in individual(s) with cone rod dystrophy (PMID: 31816670). ClinVar contains an entry for this variant (Variation ID: 854071). An algorithm developed to predict the effect of missense changes on protein structure and function (PolyPhen-2) suggests that this variant is likely to be tolerated. In summary, the available evidence is currently insufficient to determine the role of this variant in disease. Therefore, it has been classified as a Variant of Uncertain Significance.

Blueprint Genetics
Classification: Uncertain significance. Last evaluated: 2024-07-17. Review status: criteria provided, single submitter. Criteria: ACMG Guidelines, 2015. Collection method: clinical testing. Allele origin: germline.

Literature cited by the submitters: PubMed 31816670 (cited by Labcorp Genetics (formerly Invitae), Labcorp).

NM_172364.5(CACNA2D4):c.1865C>T (p.Pro622Leu)

Gene: CACNA2D4 (calcium voltage-gated channel auxiliary subunit alpha2delta 4; minus strand). Cytogenetic location: 12p13.33.
Variant type: single nucleotide variant.
Coding change: c.1865C>T on transcript NM_172364.5 (MANE Select); coding-DNA position 1865, C replaced by T.
Protein change: p.Pro622Leu; replaces proline 622 with leucine.
Molecular consequence: missense variant.
Genome position (GRCh38, 1-based): chr12:1,874,617, G>A on the plus strand (C>T on the coding strand, the complement: CACNA2D4 is on the minus strand). VCF-style: chr12-1874617-G-A. GRCh37 (hg19) VCF-style: chr12-1983783-G-A.
Other names: short protein forms P622L.
Identifiers: ClinVar variation 854071 (VCV000854071.8), dbSNP rs201053252, ClinGen allele CA6386968.